The following is an entry in ClinVar:

ClinVar aggregate classification (germline): Uncertain significance (1 of 4 stars; one submission).

Conditions:
Warburg micro syndrome 2 (WARBM2). Also called: MICRO SYNDROME 2. Identifiers: Orphanet 2510, MedGen C3280214, MONDO:0013641, OMIM 614225.
Martsolf syndrome (MARTS). Also called: Congenital cataract with intellectual disability and hypogonadotropic hypogonadism syndrome. Identifiers: Orphanet 1387, MedGen C0796037, MONDO:0023910.

Allele frequency attached by ClinVar (database versions not stated): TOPMed below 0.00001.

Submission:

Labcorp Genetics (formerly Invitae), Labcorp
Classification: Uncertain significance for Martsolf syndrome; Warburg micro syndrome 2. Last evaluated: 2022-07-02. Review status: criteria provided, single submitter. Criteria: Invitae Variant Classification Sherloc (09022015). Collection method: clinical testing. Allele origin: germline.
Comment: This sequence change replaces phenylalanine, which is neutral and non-polar, with tyrosine, which is neutral and polar, at codon 449 of the RAB3GAP2 protein (p.Phe449Tyr). This variant is not present in population databases (gnomAD no frequency). In summary, the available evidence is currently insufficient to determine the role of this variant in disease. Therefore, it has been classified as a Variant of Uncertain Significance. Algorithms developed to predict the effect of missense changes on protein structure and function (SIFT, PolyPhen-2, Align-GVGD) all suggest that this variant is likely to be tolerated. This variant has not been reported in the literature in individuals affected with RAB3GAP2-related conditions.

NM_012414.4(RAB3GAP2):c.1346T>A (p.Phe449Tyr)

Gene: RAB3GAP2 (RAB3 GTPase activating non-catalytic protein subunit 2; minus strand). Cytogenetic location: 1q41.
Variant type: single nucleotide variant.
Coding change: c.1346T>A on transcript NM_012414.4 (MANE Select); coding-DNA position 1346, T replaced by A.
Protein change: p.Phe449Tyr; replaces phenylalanine 449 with tyrosine.
Molecular consequence: missense variant.
Genome position (GRCh38, 1-based): chr1:220,191,209, A>T on the plus strand (T>A on the coding strand, the complement: RAB3GAP2 is on the minus strand). VCF-style: chr1-220191209-A-T. GRCh37 (hg19) VCF-style: chr1-220364551-A-T.
Other names: short protein forms F449Y.
Identifiers: ClinVar variation 2417970 (VCV002417970.6), dbSNP rs1658612660, ClinGen allele CA344645606.
Genomic context (GRCh38, chr1:220,191,209, plus strand): 5'-GCATAGATCACAAGGAATTGAGCTACTCGACTTGGACCCTGAGAATTTCCAAAGGGGGAA[A>T]AATCTGCCTTTTCTGGCACTCTTTCATGGAGGTCCTCTACAGTTTGAATCCATCCAATTT-3'
Protein context (NP_036546.2, residues 439-459): LHERVPEKAD[Phe449Tyr]SPFGNSQGPS